The following is an entry in ClinVar:

ClinVar aggregate classification (germline): Uncertain significance (1 of 4 stars; one submission).

Submission:

Labcorp Genetics (formerly Invitae), Labcorp
Classification: Uncertain significance. Last evaluated: 2024-03-20. Review status: criteria provided, single submitter. Criteria: Invitae Variant Classification Sherloc (09022015). Collection method: clinical testing. Allele origin: germline.
Comment: This sequence change replaces proline, which is neutral and non-polar, with arginine, which is basic and polar, at codon 1170 of the BRD4 protein (p.Pro1170Arg). This variant is present in population databases (no rsID available, gnomAD no frequency). This variant has not been reported in the literature in individuals affected with BRD4-related conditions. An algorithm developed to predict the effect of missense changes on protein structure and function (PolyPhen-2) suggests that this variant is likely to be disruptive. In summary, the available evidence is currently insufficient to determine the role of this variant in disease. Therefore, it has been classified as a Variant of Uncertain Significance.

NM_001379291.1(BRD4):c.3509C>G (p.Pro1170Arg)

Gene: BRD4 (bromodomain containing 4; minus strand). Cytogenetic location: 19p13.12.
Variant type: single nucleotide variant.
Coding change: c.3509C>G on transcript NM_001379291.1 (MANE Select); coding-DNA position 3509, C replaced by G.
Protein change: p.Pro1170Arg; replaces proline 1170 with arginine.
Molecular consequence: missense variant.
Genome position (GRCh38, 1-based): chr19:15,239,459, G>C on the plus strand (C>G on the coding strand, the complement: BRD4 is on the minus strand). VCF-style: chr19-15239459-G-C. GRCh37 (hg19) VCF-style: chr19-15350270-G-C.
Other names: c.3509C>G, p.Pro1170Arg (NM_058243.3); short protein forms P1170R.
Identifiers: ClinVar variation 2873922 (VCV002873922.3), dbSNP rs760622695, ClinGen allele CA404498776.